The following is an entry in ClinVar:

NM_001371928.1(AHDC1):c.2849_2850delinsGT (p.Pro950Arg)

Gene: AHDC1 (AT-hook DNA binding motif containing 1; minus strand). Cytogenetic location: 1p36.11.
Variant type: Indel.
Coding change: c.2849_2850delinsGT on transcript NM_001371928.1 (MANE Select); coding-DNA positions 2849 to 2850, CG replaced by GT.
Protein change: p.Pro950Arg; replaces proline 950 with arginine.
Molecular consequence: missense variant.
Genome position (GRCh38, 1-based): chr1:27,549,266-27,549,267, CG replaced by AC on the plus strand (CG replaced by GT on the coding strand, the reverse complement: AHDC1 is on the minus strand). VCF-style: chr1-27549266-CG-AC. GRCh37 (hg19) VCF-style: chr1-27875777-CG-AC.
Other names: c.2849_2850delinsGT, p.Pro950Arg (NM_001029882.3); short protein forms P950R.
Identifiers: ClinVar variation 2442770 (VCV002442770.1), dbSNP rs2521910784, ClinGen allele CA2580062667.

ClinVar aggregate classification (germline): Uncertain significance (1 of 4 stars; one submission).

Submission:

GeneDx
Classification: Uncertain significance. Last evaluated: 2022-09-03. Review status: criteria provided, single submitter. Criteria: GeneDx Variant Classification Process June 2021. Collection method: clinical testing. Allele origin: germline. Affected: yes.
Comment: Not observed at significant frequency in large population cohorts (gnomAD); In silico analysis supports that this variant does not alter protein structure/function; Has not been previously published as pathogenic or benign to our knowledge